The following is an entry in ClinVar:

ClinVar aggregate classification (germline): Pathogenic (1 of 4 stars; one submission).

Conditions:
Neurodegeneration with brain iron accumulation 5 (NBIA5). Also called: STATIC ENCEPHALOPATHY OF CHILDHOOD WITH NEURODEGENERATION IN ADULTHOOD; Beta-propeller protein-associated neurodegeneration. Identifiers: Orphanet 329284, MedGen C3550973, MONDO:0010476, OMIM 300894.

Submission:

Division of Genetic & Genomic Pathology, Hong Kong Children's Hospital
Classification: Pathogenic for Neurodegeneration with brain iron accumulation 5. Last evaluated: 2024-09-16. Review status: criteria provided, single submitter. Criteria: ACMG Guidelines, 2015. Collection method: clinical testing. Allele origin: de novo. Affected: yes. Observed: 1 variant allele.
Comment: The WDR45 c.229_230delinsC variant is predicted to result in frameshift and premature termination, and loss of function is a known mechanism of WDR45-related Beta-Propeller Protein-Associated Neurodegeneration (BPAN, PMID: 23176820). It is absent from the Genome Aggregation Database (gnomAD 2.1.1 and gnomAD 4.1.0). This variant has not been previously reported in the Human Genome Mutation Database, but other heterozygous downstream truncating variants in the WDR45 gene have been reported as pathogenic in individuals with neurodegeneration with brain iron accumulation (HGMD Professional 2024.2). A de novo 2 base pair deletion involving WDR45 c.228_229 has been reported in a patient with BPAN (PMID: 23176820). Parental Sanger sequencing suggested that this was a de novo variant

NM_001029896.2(WDR45):c.229_230delinsC (p.Ile77fs)

Genes: WDR45 (WD repeat domain 45; minus strand), LOC126863256 (BRD4-independent group 4 enhancer GRCh37_chrX:48934848-48936047; plus strand). Cytogenetic location: Xp11.23.
Variant type: Indel.
Coding change: c.229_230delinsC on transcript NM_001029896.2 (MANE Select); coding-DNA positions 229 to 230, AT replaced by C.
Protein change: p.Ile77fs; shifts the reading frame from isoleucine 77.
Molecular consequence: frameshift variant.
Genome position (GRCh38, 1-based): chrX:49,077,648-49,077,649, AT replaced by G on the plus strand (AT replaced by C on the coding strand, the reverse complement: WDR45 is on the minus strand). VCF-style: chrX-49077648-AT-G. GRCh37 (hg19) VCF-style: chrX-48935307-AT-G.
Other names: c.229_230delinsC, p.Ile77fs (NM_007075.4); short protein forms I77fs.
Identifiers: ClinVar variation 3340488 (VCV003340488.2).